The following is an entry in ClinVar:

NM_153240.5(NPHP3):c.353A>G (p.Lys118Arg)

Genes: NPHP3-AS1 (NPHP3 antisense RNA 1; plus strand), NPHP3 (nephrocystin 3; minus strand), NPHP3-ACAD11 (NPHP3-ACAD11 readthrough (NMD candidate); minus strand). Cytogenetic location: 3q22.1.
Variant type: single nucleotide variant.
Coding change: c.353A>G on transcript NM_153240.5 (MANE Select); coding-DNA position 353, A replaced by G.
Protein change: p.Lys118Arg; replaces lysine 118 with arginine.
Molecular consequence: missense variant. On other transcripts: non-coding transcript variant (3).
Genome position (GRCh38, 1-based): chr3:132,722,003, T>C on the plus strand (A>G on the coding strand, the complement: NPHP3 is on the minus strand). VCF-style: chr3-132722003-T-C. GRCh37 (hg19) VCF-style: chr3-132440847-T-C.
Other names: short protein forms K118R.
Identifiers: ClinVar variation 2046976 (VCV002046976.4), dbSNP rs1441071135, ClinGen allele CA354588862.

ClinVar aggregate classification (germline): Uncertain significance (1 of 4 stars; one submission).

Conditions:
Nephronophthisis. Also called: Juvenile Nephronophthisis. Identifiers: Orphanet 655, MedGen C0687120, MONDO:0019005, HP:0000090.

Allele frequency attached by ClinVar (database versions not stated): gnomAD exomes below 0.00001.
gnomAD v4.1: 1 of 1,613,218 alleles (0.000062%); highest among the groups gnomAD compares: Non-Finnish European, 0.000085%; no homozygotes.

Submission:

Labcorp Genetics (formerly Invitae), Labcorp
Classification: Uncertain significance for Nephronophthisis. Last evaluated: 2024-11-18. Review status: criteria provided, single submitter. Criteria: Invitae Variant Classification Sherloc (09022015). Collection method: clinical testing. Allele origin: germline.
Comment: This sequence change replaces lysine, which is basic and polar, with arginine, which is basic and polar, at codon 118 of the NPHP3 protein (p.Lys118Arg). This variant is not present in population databases (gnomAD no frequency). This variant has not been reported in the literature in individuals affected with NPHP3-related conditions. ClinVar contains an entry for this variant (Variation ID: 2046976). Invitae Evidence Modeling of protein sequence and biophysical properties (such as structural, functional, and spatial information, amino acid conservation, physicochemical variation, residue mobility, and thermodynamic stability) has been performed for this missense variant. However, the output from this modeling did not meet the statistical confidence thresholds required to predict the impact of this variant on NPHP3 protein function. In summary, the available evidence is currently insufficient to determine the role of this variant in disease. Therefore, it has been classified as a Variant of Uncertain Significance.